The following is an entry in ClinVar:

NM_004944.4(DNASE1L3):c.359A>G (p.His120Arg)

Gene: DNASE1L3 (deoxyribonuclease 1L3; minus strand). Cytogenetic location: 3p14.3.
Variant type: single nucleotide variant.
Coding change: c.359A>G on transcript NM_004944.4 (MANE Select); coding-DNA position 359, A replaced by G.
Protein change: p.His120Arg; replaces histidine 120 with arginine.
Molecular consequence: missense variant.
Genome position (GRCh38, 1-based): chr3:58,204,843, T>C on the plus strand (A>G on the coding strand, the complement: DNASE1L3 is on the minus strand). VCF-style: chr3-58204843-T-C. GRCh37 (hg19) VCF-style: chr3-58190570-T-C.
Other names: c.269A>G, p.His90Arg (NM_001256560.2); short protein forms H90R, H120R.
Identifiers: ClinVar variation 1464555 (VCV001464555.9), dbSNP rs1282131721, ClinGen allele CA353340132.

ClinVar aggregate classification (germline): Uncertain significance. Review status: criteria provided, multiple submitters, no conflicts (2 of 4 stars). 2 submissions from 2 submitters: Uncertain significance (2). Last evaluated 2023-08-17.

Conditions:
Autosomal systemic lupus erythematosus type 16. Also called: Systemic lupus erythematosus 16. Identifiers: Orphanet 300345, MedGen C3280742, MONDO:0013743, OMIM 614420.

Allele frequency attached by ClinVar (database versions not stated): gnomAD exomes below 0.00001; gnomAD 0.00001.
gnomAD v4.1: 6 of 1,614,088 alleles (0.00037%); highest among the groups gnomAD compares: Admixed American, 0.005%; no homozygotes.

Submissions (2):

Labcorp Genetics (formerly Invitae), Labcorp
Classification: Uncertain significance. Last evaluated: 2023-08-17. Review status: criteria provided, single submitter. Criteria: Invitae Variant Classification Sherloc (09022015). Collection method: clinical testing. Allele origin: germline.
Comment: This sequence change replaces histidine, which is basic and polar, with arginine, which is basic and polar, at codon 120 of the DNASE1L3 protein (p.His120Arg). This variant is present in population databases (no rsID available, gnomAD 0.006%). This variant has not been reported in the literature in individuals affected with DNASE1L3-related conditions. ClinVar contains an entry for this variant (Variation ID: 1464555). Algorithms developed to predict the effect of missense changes on protein structure and function output the following: SIFT: "Not Available"; PolyPhen-2: "Benign"; Align-GVGD: "Not Available". The arginine amino acid residue is found in multiple mammalian species, which suggests that this missense change does not adversely affect protein function. In summary, the available evidence is currently insufficient to determine the role of this variant in disease. Therefore, it has been classified as a Variant of Uncertain Significance.

Fulgent Genetics
Classification: Uncertain significance for Autosomal systemic lupus erythematosus type 16. Last evaluated: 2021-10-11. Review status: criteria provided, single submitter. Criteria: ACMG Guidelines, 2015. Collection method: clinical testing. Allele origin: unknown.